The following is an entry in ClinVar:

ClinVar aggregate classification (germline): Benign. Review status: criteria provided, multiple submitters, no conflicts (2 of 4 stars). 2 submissions from 2 submitters: Benign (2). Last evaluated 2017-04-27.

Conditions:
Spondyloepiphyseal dysplasia tarda (SEDT). Also called: SPONDYLOEPIPHYSEAL DYSPLASIA, LATE. Identifiers: Orphanet 93284, MedGen CN033239, MONDO:0019667.

Allele frequency attached by ClinVar (database versions not stated): gnomAD exomes 0.27568; gnomAD 0.28530 and 0.28849; TOPMed 0.29103; 1000 Genomes Project 0.25033; 1000 Genomes Project 30x 0.25140.

Submissions (2):

Illumina Laboratory Services, Illumina
Classification: Benign for Spondyloepiphyseal dysplasia tarda, X-linked. Last evaluated: 2017-04-27. Review status: criteria provided, single submitter. Criteria: ICSL Variant Classification Criteria 13 December 2019. Collection method: clinical testing. Allele origin: germline.
Comment: This variant was observed as part of a predisposition screen in an ostensibly healthy population. A literature search was performed for the gene, cDNA change, and amino acid change (where applicable). No publications were found based on this search. Allele frequency data from public databases was too high to be consistent with this variant causing disease. Therefore, this variant is classified as benign.

Breakthrough Genomics
Classification: Benign. Review status: criteria provided, single submitter. Criteria: ACMG Guidelines, 2015. Collection method: not provided. Allele origin: germline. Inheritance: X-linked inheritance. Affected: yes.

NM_001011658.4(TRAPPC2):c.*1052T>C

Gene: TRAPPC2 (trafficking protein particle complex subunit 2; minus strand). Cytogenetic location: Xp22.2.
Variant type: single nucleotide variant.
Coding change: c.*1052T>C on transcript NM_001011658.4 (MANE Select); 1052 bases downstream of the stop codon, T replaced by C.
Molecular consequence: 3 prime UTR variant.
Genome position (GRCh38, 1-based): chrX:13,713,355, A>G on the plus strand (T>C on the coding strand, the complement: TRAPPC2 is on the minus strand). VCF-style: chrX-13713355-A-G. GRCh37 (hg19) VCF-style: chrX-13731474-A-G.
Other names: c.*1052T>C (NM_001128835.3, NM_014563.6).
Identifiers: ClinVar variation 367973 (VCV000367973.6), dbSNP rs5979952, ClinGen allele CA10654263.
Genomic context (GRCh38, chrX:13,713,355, plus strand): 5'-CAAAAATTAGCCAGGTGTGGTGGTGCATGCCTGTAATCCCAGCTACTCGGGAGGCTGAAG[A>G]AGGAGAATTGCTTGAACCCAGGAGGTGGAGGTTGCAGTGAGCCAAGACTGTGCCACTGCA-3'